The following is an entry in ClinVar:

NM_130468.4(CHST14):c.830A>C (p.Glu277Ala)

Gene: CHST14 (carbohydrate sulfotransferase 14; plus strand). Cytogenetic location: 15q15.1.
Variant type: single nucleotide variant.
Coding change: c.830A>C on transcript NM_130468.4 (MANE Select); coding-DNA position 830, A replaced by C.
Protein change: p.Glu277Ala; replaces glutamic acid 277 with alanine.
Molecular consequence: missense variant.
Genome position (GRCh38, 1-based): chr15:40,472,043, A>C. VCF-style: chr15-40472043-A-C. GRCh37 (hg19) VCF-style: chr15-40764242-A-C.
Other names: short protein forms E277A.
Identifiers: ClinVar variation 4868974 (VCV004868974.1).

ClinVar aggregate classification (germline): Uncertain significance (1 of 4 stars; one submission).

Conditions:
Cardiovascular phenotype. Identifiers: MedGen CN230736.

Submission:

Ambry Genetics
Classification: Uncertain significance for Cardiovascular phenotype. Last evaluated: 2026-04-30. Review status: criteria provided, single submitter. Criteria: Ambry Variant Classification Scheme 2023. Collection method: clinical testing. Allele origin: germline.
Comment: The p.E277A variant (also known as c.830A>C), located in coding exon 1 of the CHST14 gene, results from an A to C substitution at nucleotide position 830. The glutamic acid at codon 277 is replaced by alanine, an amino acid with dissimilar properties. This amino acid position is conserved. In addition, this alteration is predicted to be deleterious by in silico analysis. Based on the available evidence, the clinical significance of this variant remains unclear.